The following is an entry in ClinVar:

ClinVar aggregate classification (germline): Uncertain significance (1 of 4 stars; one submission).

Submission:

Ambry Genetics
Classification: Uncertain significance. Last evaluated: 2022-02-15. Review status: criteria provided, single submitter. Criteria: Ambry Variant Classification Scheme 2023. Collection method: clinical testing. Allele origin: germline.
Comment: The p.F427V variant (also known as c.1279T>G), located in coding exon 12 of the RAD54L gene, results from a T to G substitution at nucleotide position 1279. The phenylalanine at codon 427 is replaced by valine, an amino acid with highly similar properties. This amino acid position is conserved. In addition, this alteration is predicted to be deleterious by in silico analysis. Since supporting evidence is limited at this time, the clinical significance of this alteration remains unclear.

NM_003579.4(RAD54L):c.1279T>G (p.Phe427Val)

Gene: RAD54L (RAD54 like; plus strand). Cytogenetic location: 1p34.1.
Variant type: single nucleotide variant.
Coding change: c.1279T>G on transcript NM_003579.4 (MANE Select); coding-DNA position 1279, T replaced by G.
Protein change: p.Phe427Val; replaces phenylalanine 427 with valine.
Molecular consequence: missense variant.
Genome position (GRCh38, 1-based): chr1:46,272,706, T>G. VCF-style: chr1-46272706-T-G. GRCh37 (hg19) VCF-style: chr1-46738378-T-G.
Other names: c.1279T>G, p.Phe427Val (NM_001142548.2); c.739T>G, p.Phe247Val (NM_001370766.1); short protein forms F247V, F427V.
Identifiers: ClinVar variation 1767421 (VCV001767421.2), dbSNP rs2148300489, ClinGen allele CA340179277.